The following is an entry in ClinVar:

NM_004415.4(DSP):c.3194_3198delinsCCCA (p.Tyr1065fs)

Gene: DSP (desmoplakin; plus strand). Cytogenetic location: 6p24.3.
Variant type: Indel.
Coding change: c.3194_3198delinsCCCA on transcript NM_004415.4 (MANE Select); coding-DNA positions 3194 to 3198, ACCAG replaced by CCCA.
Protein change: p.Tyr1065fs; shifts the reading frame from tyrosine 1065.
Molecular consequence: frameshift variant.
Genome position (GRCh38, 1-based): chr6:7,579,384-7,579,388, ACCAG replaced by CCCA. VCF-style: chr6-7579384-ACCAG-CCCA. GRCh37 (hg19) VCF-style: chr6-7579617-ACCAG-CCCA.
Other names: c.3194_3198delinsCCCA, p.Tyr1065fs (NM_001008844.3, NM_001319034.2); short protein forms Y1065fs.
Identifiers: ClinVar variation 5035667 (VCV005035667.1).

ClinVar aggregate classification (germline): Pathogenic (1 of 4 stars; one submission).

Conditions:
Cardiovascular phenotype. Identifiers: MedGen CN230736.

Submission:

Ambry Genetics
Classification: Pathogenic for Cardiovascular phenotype. Last evaluated: 2026-08-28. Review status: criteria provided, single submitter. Criteria: Ambry Variant Classification Scheme 2023. Collection method: clinical testing. Allele origin: germline.
Comment: The c.3194_3198delACCAGinsCCCA pathogenic mutation, located in coding exon 23 of the DSP gene, results from the deletion of 5 nucleotides and insertion of 4 nucleotides causing a translational frameshift with a predicted alternate stop codon (p.Y1065Sfs*18). This variant is considered to be rare based on population cohorts in the Genome Aggregation Database (gnomAD). This alteration is expected to result in loss of function by premature protein truncation or nonsense-mediated mRNA decay. As such, this alteration is interpreted as a disease-causing mutation.